The following is an entry in ClinVar:

ClinVar aggregate classification (germline): Uncertain significance (1 of 4 stars; one submission).

Allele frequency attached by ClinVar (database versions not stated): gnomAD 0.00001 and 0.00002; TOPMed 0.00002; ESP Exome Variant Server 0.00008; gnomAD exomes 0.00009; ExAC 0.00011.

Submission:

Labcorp Genetics (formerly Invitae), Labcorp
Classification: Uncertain significance. Last evaluated: 2025-09-04. Review status: criteria provided, single submitter. Criteria: Invitae Variant Classification Sherloc (09022015). Collection method: clinical testing. Allele origin: germline.
Comment: This sequence change replaces valine, which is neutral and non-polar, with isoleucine, which is neutral and non-polar, at codon 547 of the IRF2BP2 protein (p.Val547Ile). This variant is present in population databases (rs377515117, gnomAD 0.05%), and has an allele count higher than expected for a pathogenic variant. This variant has not been reported in the literature in individuals affected with IRF2BP2-related conditions. ClinVar contains an entry for this variant (Variation ID: 1386619). An algorithm developed to predict the effect of missense changes on protein structure and function (PolyPhen-2) suggests that this variant is likely to be disruptive. In summary, the available evidence is currently insufficient to determine the role of this variant in disease. Therefore, it has been classified as a Variant of Uncertain Significance.

NM_182972.3(IRF2BP2):c.1639G>A (p.Val547Ile)

Gene: IRF2BP2 (interferon regulatory factor 2 binding protein 2; minus strand). Cytogenetic location: 1q42.3.
Variant type: single nucleotide variant.
Coding change: c.1639G>A on transcript NM_182972.3 (MANE Select); coding-DNA position 1639, G replaced by A.
Protein change: p.Val547Ile; replaces valine 547 with isoleucine.
Molecular consequence: missense variant.
Genome position (GRCh38, 1-based): chr1:234,607,262, C>T on the plus strand (G>A on the coding strand, the complement: IRF2BP2 is on the minus strand). VCF-style: chr1-234607262-C-T. GRCh37 (hg19) VCF-style: chr1-234743008-C-T.
Other names: c.1591G>A, p.Val531Ile (NM_001077397.1); short protein forms V531I, V547I.
Identifiers: ClinVar variation 1386619 (VCV001386619.8), dbSNP rs377515117, ClinGen allele CA1461521.